The following is an entry in ClinVar:

NM_015474.4(SAMHD1):c.1324C>T (p.Arg442Ter)

Gene: SAMHD1 (SAM and HD domain containing deoxynucleoside triphosphate triphosphohydrolase 1; minus strand). Cytogenetic location: 20q11.23.
Variant type: single nucleotide variant.
Coding change: c.1324C>T on transcript NM_015474.4 (MANE Select); coding-DNA position 1324, C replaced by T.
Protein change: p.Arg442Ter; replaces arginine 442 with a stop codon.
Molecular consequence: nonsense.
Genome position (GRCh38, 1-based): chr20:36,905,450, G>A on the plus strand (C>T on the coding strand, the complement: SAMHD1 is on the minus strand). VCF-style: chr20-36905450-G-A. GRCh37 (hg19) VCF-style: chr20-35533853-G-A.
Other names: c.1324C>T, p.Arg442Ter (NM_001363729.2, NM_001363733.2); short protein forms R442*.
Identifiers: ClinVar variation 126406 (VCV000126406.22), dbSNP rs369587937, ClinGen allele CA345512.

ClinVar aggregate classification (germline): Pathogenic/Likely pathogenic. Review status: criteria provided, multiple submitters, no conflicts (2 of 4 stars). 5 submissions from 5 submitters: Pathogenic (3); Likely pathogenic (1). 1 of the submissions does not count toward it. Last evaluated 2025-10-18.

Conditions:
SAMHD1-related disorder. Also called: SAMHD1-related condition.
Aicardi-Goutieres syndrome 5. Identifiers: Orphanet 51, MedGen C2749659, MONDO:0013059, OMIM 612952.

Allele frequency attached by ClinVar (database versions not stated): TOPMed 0.00001.
gnomAD v4.1: 22 of 1,613,104 alleles (0.0014%); highest among the groups gnomAD compares: Admixed American, 0.0033%; no homozygotes.

Submissions (5):

Labcorp Genetics (formerly Invitae), Labcorp
Classification: Pathogenic for Aicardi-Goutieres syndrome 5. Last evaluated: 2025-10-18. Review status: criteria provided, single submitter. Criteria: Invitae Variant Classification Sherloc (09022015). Collection method: clinical testing. Allele origin: germline.
Comment: This sequence change creates a premature translational stop signal (p.Arg442*) in the SAMHD1 gene. It is expected to result in an absent or disrupted protein product. Loss-of-function variants in SAMHD1 are known to be pathogenic (PMID: 19525956, 22461318). This variant is present in population databases (rs369587937, gnomAD 0.003%). This premature translational stop signal has been observed in individual(s) with Aicardi-Goutieres syndrome (PMID: 19525956). ClinVar contains an entry for this variant (Variation ID: 126406). Algorithms developed to predict the effect of sequence changes on RNA splicing suggest that this variant may disrupt the consensus splice site. For these reasons, this variant has been classified as Pathogenic.

GeneDx
Classification: Pathogenic. Last evaluated: 2025-05-12. Review status: criteria provided, single submitter. Criteria: GeneDx Variant Classification Process June 2021. Collection method: clinical testing. Allele origin: germline. Affected: yes.
Comment: Reported previously with a second variant on the opposite allele (in trans) in a patient with Aicardi-Goutieres; however, no specific clinical information was provided (PMID: 19525956); Functional studies suggest that this variant contributes to retained nucleic acid binding with impaired subcellular localization; however, further studies are needed (PMID: 22461318); Nonsense variant predicted to result in protein truncation or nonsense mediated decay in a gene for which loss of function is a known mechanism of disease; Not observed at significant frequency in large population cohorts (gnomAD); This variant is associated with the following publications: (PMID: 25525159, 28229507, 40302656, 27943079, 19525956, 22461318)

Blueprint Genetics
Classification: Likely pathogenic for SAMHD1-related disorders. Last evaluated: 2022-06-22. Review status: criteria provided, single submitter. Criteria: ACMG Guidelines, 2015. Collection method: clinical testing. Allele origin: germline. Affected: yes. Observed: 4 variant alleles.

Revvity Omics, Revvity
Classification: Pathogenic. Last evaluated: 2019-07-31. Review status: criteria provided, single submitter. Criteria: ACMG Guidelines, 2015. Collection method: clinical testing. Allele origin: germline.

GeneReviews
No classification provided. Condition: Aicardi-Goutieres syndrome 5. Review status: no classification provided. Collection method: literature only. Allele origin: germline. Affected: yes. Not counted in ClinVar's aggregate classification.

Literature cited by the submitters: PubMed 19525956 (cited by Labcorp Genetics (formerly Invitae), Labcorp); PubMed 22461318 (cited by Labcorp Genetics (formerly Invitae), Labcorp); NCBI Bookshelf NBK1475 (cited by GeneReviews).